The following is an entry in ClinVar:

NC_000019.10:g.(?_45584613)_(45584774_?)del

Gene: OPA3 (outer mitochondrial membrane lipid metabolism regulator OPA3; minus strand). Cytogenetic location: 19q13.32.
Variant type: Deletion.
Identifiers: ClinVar variation 831267 (VCV000831267.5).

ClinVar aggregate classification (germline): Pathogenic (1 of 4 stars; one submission).

Conditions:
3-Methylglutaconic aciduria type 3 (MGCA3). Also called: OPA3-Related 3-Methylglutaconic Aciduria; OPA3, AUTOSOMAL RECESSIVE; OPTIC ATROPHY 3, AUTOSOMAL RECESSIVE; Costeff Syndrome. Identifiers: Orphanet 67047, MedGen C0574084, MONDO:0009787, OMIM 258501.
Optic atrophy 3 (OPA3). Also called: Optic atrophy, cataract, and neurologic disorder; OPTIC ATROPHY 3, AUTOSOMAL DOMINANT; Optic atrophy 3 with cataract. Identifiers: Orphanet 67036, MedGen C1833809, MONDO:0008133, OMIM 165300.

Submission:

Labcorp Genetics (formerly Invitae), Labcorp
Classification: Pathogenic for 3-Methylglutaconic aciduria type 3; Optic atrophy 3. Last evaluated: 2022-04-06. Review status: criteria provided, single submitter. Criteria: Invitae Variant Classification Sherloc (09022015). Collection method: clinical testing. Allele origin: germline.
Comment: This variant is a gross deletion of the genomic region encompassing exon(s) 1 of the OPA3 gene, which includes the initiator codon. This deletion extends beyond the assayed region for this gene and therefore may encompass additional genes. It is expected to result in an absent or disrupted protein product. Loss-of-function variants in OPA3 are known to be pathogenic (PMID: 11668429, 25201222). This variant has not been reported in the literature in individuals affected with OPA3-related conditions. For these reasons, this variant has been classified as Pathogenic.

Literature cited by the submitters: PubMed 11668429; PubMed 25201222.